The following is an entry in ClinVar:

NM_000455.5(STK11):c.862+5dup

Gene: STK11 (serine/threonine kinase 11; plus strand). Cytogenetic location: 19p13.3.
Variant type: Duplication.
Coding change: c.862+5dup on transcript NM_000455.5 (MANE Select); 5 bases into the intron after coding-DNA position 862, one base duplicated (G; older notation c.862+5dupG).
Molecular consequence: intron variant.
Genome position (GRCh38, 1-based): chr19:1,221,345, G duplicated; the last of 3 consecutive G bases (chr19:1,221,343-1,221,345); duplicating any one gives the same sequence. VCF-style (leftmost placement, unchanged base first): chr19-1221342-T-TG. GRCh37 (hg19) VCF-style: chr19-1221341-T-TG.
Other names: c.862+5dup (NM_001407255.1).
Identifiers: ClinVar variation 3660764 (VCV003660764.2).

ClinVar aggregate classification (germline): Uncertain significance (1 of 4 stars; one submission).

Conditions:
Peutz-Jeghers syndrome (PJS). Also called: POLYPOSIS, HAMARTOMATOUS INTESTINAL; POLYPS-AND-SPOTS SYNDROME; Peutz-Jeghers polyposis; Periorificial lentiginosis syndrome. Identifiers: Orphanet 2869, MedGen C0031269, MeSH D010580, MONDO:0008280, OMIM 175200.

Submission:

Labcorp Genetics (formerly Invitae), Labcorp
Classification: Uncertain significance for Peutz-Jeghers syndrome. Last evaluated: 2024-07-31. Review status: criteria provided, single submitter. Criteria: Invitae Variant Classification Sherloc (09022015). Collection method: clinical testing. Allele origin: germline.
Comment: This sequence change falls in intron 6 of the STK11 gene. It does not directly change the encoded amino acid sequence of the STK11 protein. It affects a nucleotide within the consensus splice site. This variant is not present in population databases (gnomAD no frequency). This variant has not been reported in the literature in individuals affected with STK11-related conditions. Variants that disrupt the consensus splice site are a relatively common cause of aberrant splicing (PMID: 17576681, 9536098). Algorithms developed to predict the effect of sequence changes on RNA splicing suggest that this variant is not likely to affect RNA splicing. In summary, the available evidence is currently insufficient to determine the role of this variant in disease. Therefore, it has been classified as a Variant of Uncertain Significance.

Literature cited by the submitters: PubMed 17576681; PubMed 9536098.